The following is an entry in ClinVar:

NM_177438.3(DICER1):c.574-6T>A

Gene: DICER1 (dicer 1, ribonuclease III; minus strand). Cytogenetic location: 14q32.13.
Variant type: single nucleotide variant.
Coding change: c.574-6T>A on transcript NM_177438.3 (MANE Select); 6 bases into the intron before coding-DNA position 574, T replaced by A.
Molecular consequence: intron variant.
Genome position (GRCh38, 1-based): chr14:95,129,638, A>T on the plus strand (T>A on the coding strand, the complement: DICER1 is on the minus strand). VCF-style: chr14-95129638-A-T. GRCh37 (hg19) VCF-style: chr14-95595975-A-T.
Other names: c.574-6T>A (NM_030621.4, NM_001395677.1, NM_001395678.1 and 14 more transcripts); c.169-6T>A (NM_001395690.1, NM_001395687.1, NM_001395689.1 and 3 more transcripts); c.292-6T>A (NM_001395686.1); c.7-6T>A (NM_001395691.1); c.-995-6T>A (NM_001395697.1).
Identifiers: ClinVar variation 2861502 (VCV002861502.3), dbSNP rs1555375852, ClinGen allele CA2739270824.

ClinVar aggregate classification (germline): Uncertain significance (1 of 4 stars; one submission).

Conditions:
DICER1-related tumor predisposition. Also called: DICER1-related pleuropulmonary blastoma cancer predisposition syndrome; DICER1 syndrome. Identifiers: Orphanet 284343, MedGen C3839822, MONDO:0100216.

Submission:

Labcorp Genetics (formerly Invitae), Labcorp
Classification: Uncertain significance for DICER1-related tumor predisposition. Last evaluated: 2023-05-11. Review status: criteria provided, single submitter. Criteria: Invitae Variant Classification Sherloc (09022015). Collection method: clinical testing. Allele origin: germline.
Comment: This sequence change falls in intron 5 of the DICER1 gene. It does not directly change the encoded amino acid sequence of the DICER1 protein. This variant is not present in population databases (gnomAD no frequency). This variant has not been reported in the literature in individuals affected with DICER1-related conditions. Algorithms developed to predict the effect of sequence changes on RNA splicing suggest that this variant may disrupt the consensus splice site. In summary, the available evidence is currently insufficient to determine the role of this variant in disease. Therefore, it has been classified as a Variant of Uncertain Significance.